The following is an entry in ClinVar:

NM_021930.6(RINT1):c.1555C>T (p.Arg519Ter)

Gene: RINT1 (RAD50 interactor 1; plus strand). Cytogenetic location: 7q22.3.
Variant type: single nucleotide variant.
Coding change: c.1555C>T on transcript NM_021930.6 (MANE Select); coding-DNA position 1555, C replaced by T.
Protein change: p.Arg519Ter; replaces arginine 519 with a stop codon.
Molecular consequence: nonsense.
Genome position (GRCh38, 1-based): chr7:105,555,111, C>T. VCF-style: chr7-105555111-C-T. GRCh37 (hg19) VCF-style: chr7-105195558-C-T.
Other names: c.1321C>T, p.Arg441Ter (NM_001346599.2); c.532C>T, p.Arg178Ter (NM_001346600.2, NM_001346603.2); c.631C>T, p.Arg211Ter (NM_001346601.2); short protein forms R441*, R211*, R178*, R519*.
Identifiers: ClinVar variation 1449407 (VCV001449407.36), dbSNP rs759853907, ClinGen allele CA4426710.

ClinVar aggregate classification (germline): Conflicting classifications of pathogenicity. Review status: criteria provided, conflicting classifications (1 of 4 stars). 4 submissions from 4 submitters: Pathogenic (2); Uncertain significance (2). Last evaluated 2023-11-17.

Conditions:
Infantile liver failure syndrome 3. Identifiers: MedGen C5231437, MONDO:0032844, OMIM 618641.
RINT1-related disorder. Also called: RINT1-related condition.

Allele frequency attached by ClinVar (database versions not stated): ExAC 0.00001; gnomAD exomes 0.00001 and 0.00002; TOPMed 0.00002; gnomAD 0.00003 and 0.00004.
gnomAD v4.1: 31 of 1,613,812 alleles (0.0019%); highest among the groups gnomAD compares: East Asian, 0.0045%; no homozygotes.

Submissions (4):

Labcorp Genetics (formerly Invitae), Labcorp
Classification: Pathogenic. Last evaluated: 2023-11-17. Review status: criteria provided, single submitter. Criteria: Invitae Variant Classification Sherloc (09022015). Collection method: clinical testing. Allele origin: germline.
Comment: This sequence change creates a premature translational stop signal (p.Arg519*) in the RINT1 gene. It is expected to result in an absent or disrupted protein product. Loss-of-function variants in RINT1 are known to be pathogenic (PMID: 31204009). This variant is present in population databases (rs759853907, gnomAD 0.004%). This variant has not been reported in the literature in individuals affected with RINT1-related conditions. ClinVar contains an entry for this variant (Variation ID: 1449407). For these reasons, this variant has been classified as Pathogenic.

Neurometabolic Diseases Laboratory, Bellvitge Biomedical Research Institute (IDIBELL)
Classification: Pathogenic for RINT1-related disorder. Last evaluated: 2023-04-20. Review status: criteria provided, single submitter. Criteria: ACMG Guidelines, 2015. Collection method: research. Allele origin: germline, not applicable. Inheritance: Autosomal recessive inheritance. Affected: yes. Functional consequence: RNA degradation by nonsense-mediated decay.

Ambry Genetics
Classification: Uncertain significance. Last evaluated: 2022-10-05. Review status: criteria provided, single submitter. Criteria: Ambry Variant Classification Scheme 2023. Collection method: clinical testing. Allele origin: germline.
Comment: The p.R519* variant (also known as c.1555C>T), located in coding exon 11 of the RINT1 gene, results from a C to T substitution at nucleotide position 1555. This changes the amino acid from an arginine to a stop codon within coding exon 11. This alteration is expected to result in loss of function by premature protein truncation or nonsense-mediated mRNA decay. The evidence for this gene-disease relationship is limited; therefore, the clinical significance of this alteration is unclear.

Department of Pathology and Laboratory Medicine, Sinai Health System
Classification: Uncertain significance for Infantile liver failure syndrome 3. Last evaluated: 2021-07-30. Review status: criteria provided, single submitter. Criteria: ACMG Guidelines, 2015. Collection method: research. Allele origin: germline.

Literature cited by the submitters: PubMed 31204009 (cited by Labcorp Genetics (formerly Invitae), Labcorp).